The following is an entry in ClinVar:

NM_024642.5(GALNT12):c.732-16T>C

Gene: GALNT12 (polypeptide N-acetylgalactosaminyltransferase 12; plus strand). Cytogenetic location: 9q22.33.
Variant type: single nucleotide variant.
Coding change: c.732-16T>C on transcript NM_024642.5 (MANE Select); 16 bases into the intron before coding-DNA position 732, T replaced by C.
Molecular consequence: intron variant.
Genome position (GRCh38, 1-based): chr9:98,831,756, T>C. VCF-style: chr9-98831756-T-C. GRCh37 (hg19) VCF-style: chr9-101594038-T-C.
Identifiers: ClinVar variation 4875768 (VCV004875768.1).
Genomic context (GRCh38, chr9:98,831,756, plus strand): 5'-ACCCTTGAATTTCCCAATTGTCTTCCTGCTGCCCGTCTGCATAGGAGAGACGGATGGATG[T>C]CTTGGGTGCTTTCAGGATCCATGAAGAGGAGTCGGCAGTGGTGTGCCCGGTGATTGATGT-3'

ClinVar aggregate classification (germline): Likely benign (1 of 4 stars; one submission).

Conditions:
Colorectal cancer, susceptibility to, 1. Also called: COLORECTAL ADENOMA AND CANCER, SUSCEPTIBILITY TO; COLORECTAL CANCER, SUSCEPTIBILITY TO, ON CHROMOSOME 9. Identifiers: MedGen C1837315, MONDO:0012132, OMIM 608812.

gnomAD v4.1: 1 of 1,614,154 alleles (0.000062%); highest among the groups gnomAD compares: Admixed American, 0.0017%; no homozygotes.

Submission:

Myriad Genetics, Inc.
Classification: Likely benign for Colorectal cancer, susceptibility to, 1. Last evaluated: 2026-04-21. Review status: criteria provided, single submitter. Criteria: Myriad Autosomal Dominant, Autosomal Recessive and X-Linked Classification Criteria (2023). Collection method: clinical testing. Allele origin: unknown.
Comment: This variant is considered likely benign. This variant is intronic and is not expected to impact mRNA splicing.